The following is an entry in ClinVar:

ClinVar aggregate classification (germline): Uncertain significance (1 of 4 stars; one submission).

Submission:

Labcorp Genetics (formerly Invitae), Labcorp
Classification: Uncertain significance. Last evaluated: 2022-04-16. Review status: criteria provided, single submitter. Criteria: Invitae Variant Classification Sherloc (09022015). Collection method: clinical testing. Allele origin: germline.
Comment: Algorithms developed to predict the effect of missense changes on protein structure and function are either unavailable or do not agree on the potential impact of this missense change (SIFT: "Deleterious"; PolyPhen-2: "Possibly Damaging"; Align-GVGD: "Class C0"). In summary, the available evidence is currently insufficient to determine the role of this variant in disease. Therefore, it has been classified as a Variant of Uncertain Significance. This variant has not been reported in the literature in individuals affected with IRF2BP2-related conditions. This variant is not present in population databases (gnomAD no frequency). This sequence change replaces glutamine, which is neutral and polar, with proline, which is neutral and non-polar, at codon 112 of the IRF2BP2 protein (p.Gln112Pro).

NM_182972.3(IRF2BP2):c.335A>C (p.Gln112Pro)

Genes: IRF2BP2 (interferon regulatory factor 2 binding protein 2; minus strand), LOC129932812 (ATAC-STARR-seq lymphoblastoid silent region 1977; plus strand). Cytogenetic location: 1q42.3.
Variant type: single nucleotide variant.
Coding change: c.335A>C on transcript NM_182972.3 (MANE Select); coding-DNA position 335, A replaced by C.
Protein change: p.Gln112Pro; replaces glutamine 112 with proline.
Molecular consequence: missense variant.
Genome position (GRCh38, 1-based): chr1:234,609,160, T>G on the plus strand (A>C on the coding strand, the complement: IRF2BP2 is on the minus strand). VCF-style: chr1-234609160-T-G. GRCh37 (hg19) VCF-style: chr1-234744906-T-G.
Other names: c.335A>C, p.Gln112Pro (NM_001077397.1); short protein forms Q112P.
Identifiers: ClinVar variation 2126927 (VCV002126927.4), dbSNP rs1672268226, ClinGen allele CA345311091.